The following is an entry in ClinVar:

ClinVar aggregate classification (germline): Likely benign. Review status: criteria provided, multiple submitters, no conflicts (2 of 4 stars). 2 submissions from 2 submitters: Likely benign (2). Last evaluated 2026-09-01.

Conditions:
Glycogen storage disease, type VII (GSD7). Also called: PFKM DEFICIENCY; TARUI DISEASE; GSD VII; MUSCLE PHOSPHOFRUCTOKINASE DEFICIENCY. Identifiers: Orphanet 371, MedGen C0017926, MONDO:0009295, OMIM 232800.

Allele frequency attached by ClinVar (database versions not stated): gnomAD exomes 0.00003 and 0.00011; gnomAD 0.00030 and 0.00031; TOPMed 0.00031; ExAC 0.00002.
gnomAD v4.1: 86 of 1,614,066 alleles (0.0053%); highest among the groups gnomAD compares: Admixed American, 0.11%; no homozygotes.

Submissions (2):

CeGaT Center for Human Genetics Tuebingen
Classification: Likely benign. Last evaluated: 2026-09-01. Review status: criteria provided, single submitter. Criteria: CeGaT Center For Human Genetics Tuebingen Variant Classification Criteria Version 2. Collection method: clinical testing. Allele origin: germline. Affected: yes. Observed: 2 variant alleles.
Comment: PFKM: BP4, BP7

Labcorp Genetics (formerly Invitae), Labcorp
Classification: Likely benign for Glycogen storage disease, type VII. Last evaluated: 2025-11-19. Review status: criteria provided, single submitter. Criteria: Invitae Variant Classification Sherloc (09022015). Collection method: clinical testing. Allele origin: germline.

NM_000289.6(PFKM):c.1611C>T (p.Asp537=)

Gene: PFKM (phosphofructokinase, muscle; plus strand). Cytogenetic location: 12q13.11.
Variant type: single nucleotide variant.
Coding change: c.1611C>T on transcript NM_000289.6 (MANE Select); coding-DNA position 1611, C replaced by T.
Protein change: p.Asp537=; no amino-acid change (aspartic acid 537 retained).
Molecular consequence: synonymous variant. On other transcripts: non-coding transcript variant (6).
Genome position (GRCh38, 1-based): chr12:48,142,024, C>T. VCF-style: chr12-48142024-C-T. GRCh37 (hg19) VCF-style: chr12-48535807-C-T.
Other names: c.1824C>T, p.Asp608= (NM_001166686.2, NM_001354737.1, NM_001354738.1 and 1 more transcripts); c.1611C>T, p.Asp537= (NM_001166687.2, NM_001166688.2, NM_001354742.2 and 2 more transcripts); c.1920C>T, p.Asp640= (NM_001354735.1, NM_001354736.1); c.1755C>T, p.Asp585= (NM_001354740.1); c.1635C>T, p.Asp545= (NM_001354741.2); c.1524C>T, p.Asp508= (NM_001354745.2); c.1485C>T, p.Asp495= (NM_001354746.2); c.1461C>T, p.Asp487= (NM_001354747.2, NM_001354748.2); and 1 more.
Identifiers: ClinVar variation 1134127 (VCV001134127.11), dbSNP rs764961084, ClinGen allele CA6537400.